The following is an entry in ClinVar:

ClinVar aggregate classification (germline): Uncertain significance (1 of 4 stars; one submission).

Conditions:
Baller-Gerold syndrome (BGS). Also called: CRANIOSYNOSTOSIS WITH RADIAL DEFECTS. Identifiers: Orphanet 1225, MedGen C0265308, MONDO:0009039, OMIM 218600.

Allele frequency attached by ClinVar (database versions not stated): gnomAD exomes below 0.00001.
gnomAD v4.1: 3 of 1,612,202 alleles (0.00019%); highest among the groups gnomAD compares: Non-Finnish European, 0.00025%; no homozygotes.

Submission:

Labcorp Genetics (formerly Invitae), Labcorp
Classification: Uncertain significance for Baller-Gerold syndrome. Last evaluated: 2023-07-07. Review status: criteria provided, single submitter. Criteria: Invitae Variant Classification Sherloc (09022015). Collection method: clinical testing. Allele origin: germline.
Comment: In summary, the available evidence is currently insufficient to determine the role of this variant in disease. Therefore, it has been classified as a Variant of Uncertain Significance. This sequence change replaces lysine, which is basic and polar, with glutamic acid, which is acidic and polar, at codon 1048 of the RECQL4 protein (p.Lys1048Glu). This variant is not present in population databases (gnomAD no frequency). This variant has not been reported in the literature in individuals affected with RECQL4-related conditions. ClinVar contains an entry for this variant (Variation ID: 1053444). Advanced modeling of protein sequence and biophysical properties (such as structural, functional, and spatial information, amino acid conservation, physicochemical variation, residue mobility, and thermodynamic stability) performed at Invitae indicates that this missense variant is not expected to disrupt RECQL4 protein function.

NM_004260.4(RECQL4):c.3142A>G (p.Lys1048Glu)

Gene: RECQL4 (RecQ like helicase 4; minus strand). Cytogenetic location: 8q24.3.
Variant type: single nucleotide variant.
Coding change: c.3142A>G on transcript NM_004260.4 (MANE Select); coding-DNA position 3142, A replaced by G.
Protein change: p.Lys1048Glu; replaces lysine 1048 with glutamic acid.
Molecular consequence: missense variant.
Genome position (GRCh38, 1-based): chr8:144,512,238, T>C on the plus strand (A>G on the coding strand, the complement: RECQL4 is on the minus strand). VCF-style: chr8-144512238-T-C. GRCh37 (hg19) VCF-style: chr8-145737621-T-C.
Other names: short protein forms K1048E.
Identifiers: ClinVar variation 1053444 (VCV001053444.5), dbSNP rs2130659205, ClinGen allele CA372670329.